The following is an entry in ClinVar:

NM_017654.4(SAMD9):c.1745T>G (p.Ile582Arg)

Gene: SAMD9 (sterile alpha motif domain containing 9; minus strand). Cytogenetic location: 7q21.2.
Variant type: single nucleotide variant.
Coding change: c.1745T>G on transcript NM_017654.4 (MANE Select); coding-DNA position 1745, T replaced by G.
Protein change: p.Ile582Arg; replaces isoleucine 582 with arginine.
Molecular consequence: missense variant.
Genome position (GRCh38, 1-based): chr7:93,104,353, A>C on the plus strand (T>G on the coding strand, the complement: SAMD9 is on the minus strand). VCF-style: chr7-93104353-A-C. GRCh37 (hg19) VCF-style: chr7-92733666-A-C.
Other names: c.1745T>G, p.Ile582Arg (NM_001193307.2); short protein forms I582R.
Identifiers: ClinVar variation 3949629 (VCV003949629.1).
Genomic context (GRCh38, chr7:93,104,353, plus strand): 5'-GAAATTTCATCTTGGTGTTTTATTAATCTTGCTTCAAGTAGATCTTTCCATCCCTGAAAT[A>C]TGTGTGGGTGCACACAAATACACAGTATATTTTCCATTCCTTTGAGATCCTGGTAGAAAG-3'
Protein context (NP_060124.2, residues 572-592): NILCICVHPH[Ile582Arg]FQGWKDLLEA

ClinVar aggregate classification (germline): Uncertain significance (1 of 4 stars; one submission).

Conditions:
Inborn genetic diseases. Identifiers: MedGen C0950123, MeSH D030342.

Submission:

Ambry Genetics
Classification: Uncertain significance for Inborn genetic diseases. Last evaluated: 2025-05-15. Review status: criteria provided, single submitter. Criteria: Ambry Variant Classification Scheme 2023. Collection method: clinical testing. Allele origin: germline.
Comment: The p.I582R variant (also known as c.1745T>G), located in coding exon 1 of the SAMD9 gene, results from a T to G substitution at nucleotide position 1745. The isoleucine at codon 582 is replaced by arginine, an amino acid with similar properties. This amino acid position is conserved. In addition, this alteration is predicted to be tolerated by in silico analysis. Based on the available evidence, the clinical significance of this variant remains unclear.